The following is an entry in ClinVar:

NM_001387430.1(SH2B1):c.575del (p.Pro192fs)

Gene: SH2B1 (SH2B adaptor protein 1; plus strand). Cytogenetic location: 16p11.2.
Variant type: Deletion.
Coding change: c.575del on transcript NM_001387430.1 (MANE Select); coding-DNA position 575, one base deleted (C; older notation c.575delC).
Protein change: p.Pro192fs; shifts the reading frame from proline 192.
Molecular consequence: frameshift variant. On other transcripts: intron variant (1).
Genome position (GRCh38, 1-based): chr16:28,866,669, C deleted; the last of 6 consecutive C bases (chr16:28,866,664-28,866,669); deleting any one gives the same sequence. VCF-style (leftmost placement, unchanged base first): chr16-28866663-GC-G. GRCh37 (hg19) VCF-style: chr16-28877984-GC-G.
Other names: c.575del, p.Pro192fs (NM_001145795.2, NM_001145796.2, NM_001145797.2 and 4 more transcripts); c.-26-705del (NM_001308294.2); short protein forms P192fs.
Identifiers: ClinVar variation 4975774 (VCV004975774.1).
Genomic context (GRCh38, chr16:28,866,663, plus strand): 5'-TGCAGTGGCGGGGGACCGTTGACCCTCCCTCCTCCGCTGGGCCCCTGGAGACCTCGTCAG[GC>G]CCCCCAGTCTTAGGTGGAAACAGCAACTCCAACTCCTCTGGCGGGGCTGGGACCGTTGGT-3'

ClinVar aggregate classification (germline): Uncertain significance (1 of 4 stars; one submission).

Submission:

GeneDx
Classification: Uncertain significance. Last evaluated: 2026-02-03. Review status: criteria provided, single submitter. Criteria: GeneDx Variant Classification Process June 2021. Collection method: clinical testing. Allele origin: germline.
Comment: Not observed at significant frequency in large population cohorts (gnomAD); Frameshift variant predicted to result in protein truncation or nonsense mediated decay in a gene or region of a gene for which loss of function is not a well-established mechanism of disease; Has not been previously published as pathogenic or benign to our knowledge